The following is an entry in ClinVar:

ClinVar aggregate classification (germline): Uncertain significance (1 of 4 stars; one submission).

Conditions:
FGFR2-related craniosynostosis. Identifiers: MedGen CN231480.

Submission:

Labcorp Genetics (formerly Invitae), Labcorp
Classification: Uncertain significance for FGFR2-related craniosynostosis. Last evaluated: 2018-12-25. Review status: criteria provided, single submitter. Criteria: Invitae Variant Classification Sherloc (09022015). Collection method: clinical testing. Allele origin: germline.
Comment: This sequence change replaces glutamic acid with lysine at codon 718 of the FGFR2 protein (p.Glu718Lys). The glutamic acid residue is highly conserved and there is a small physicochemical difference between glutamic acid and lysine. This variant is not present in population databases (ExAC no frequency). In summary, the available evidence is currently insufficient to determine the role of this variant in disease. Therefore, it has been classified as a Variant of Uncertain Significance. Algorithms developed to predict the effect of missense changes on protein structure and function (SIFT, PolyPhen-2, Align-GVGD) all suggest that this variant is likely to be tolerated, but these predictions have not been confirmed by published functional studies and their clinical significance is uncertain. This variant has not been reported in the literature in individuals with FGFR2-related conditions.

NM_000141.5(FGFR2):c.2152G>A (p.Glu718Lys)

Gene: FGFR2 (fibroblast growth factor receptor 2; minus strand). Cytogenetic location: 10q26.13.
Variant type: single nucleotide variant.
Coding change: c.2152G>A on transcript NM_000141.5 (MANE Select); coding-DNA position 2152, G replaced by A.
Protein change: p.Glu718Lys; replaces glutamic acid 718 with lysine.
Molecular consequence: missense variant. On other transcripts: non-coding transcript variant (1).
Genome position (GRCh38, 1-based): chr10:121,485,438, C>T on the plus strand (G>A on the coding strand, the complement: FGFR2 is on the minus strand). VCF-style: chr10-121485438-C-T. GRCh37 (hg19) VCF-style: chr10-123244952-C-T.
Other names: c.2155G>A, p.Glu719Lys (NM_001144913.1, NM_022970.4); c.1816G>A, p.Glu606Lys (NM_001144914.1); c.1885G>A, p.Glu629Lys (NM_001144915.2, NM_023029.3); c.1807G>A, p.Glu603Lys (NM_001144916.2); c.1804G>A, p.Glu602Lys (NM_001144917.2); c.1801G>A, p.Glu601Lys (NM_001144918.2); c.1888G>A, p.Glu630Lys (NM_001144919.2); c.1468G>A, p.Glu490Lys (NM_001320654.2); and 1 more; short protein forms E601K, E718K, E719K, E490K, E602K, E603K, E629K, E606K.
Identifiers: ClinVar variation 649790 (VCV000649790.8), dbSNP rs1589713974, ClinGen allele CA378311880.
Genomic context (GRCh38, chr10:121,485,438, plus strand): 5'-AAGACAACAGCCCTTACAGTTCGTTGGTGCAGTTGGCTGGCTTATCCATTCTGTGTCCTT[C>T]CTTCAGCAGCTTAAAAAGTTCCTCCACGGGAATCCCTGGGTAGGGCGAGCCCCCTAAAGT-3'
Protein context (NP_000132.3, residues 708-728): PVEELFKLLK[Glu718Lys]GHRMDKPANC